The following is an entry in ClinVar:

NM_004006.3(DMD):c.2451G>C (p.Gln817His)

Gene: DMD (dystrophin; minus strand). Cytogenetic location: Xp21.1.
Variant type: single nucleotide variant.
Coding change: c.2451G>C on transcript NM_004006.3 (MANE Select); coding-DNA position 2451, G replaced by C.
Protein change: p.Gln817His; replaces glutamine 817 with histidine.
Molecular consequence: missense variant.
Genome position (GRCh38, 1-based): chrX:32,491,448, C>G on the plus strand (G>C on the coding strand, the complement: DMD is on the minus strand). VCF-style: chrX-32491448-C-G. GRCh37 (hg19) VCF-style: chrX-32509565-C-G.
Other names: c.2427G>C, p.Gln809His (NM_000109.4); c.2439G>C, p.Gln813His (NM_004009.3); c.2082G>C, p.Gln694His (NM_004010.3); short protein forms Q809H, Q694H, Q813H, Q817H.
Identifiers: ClinVar variation 931129 (VCV000931129.3), dbSNP rs1468177610, ClinGen allele CA412672710.
Genomic context (GRCh38, chrX:32,491,448, plus strand): 5'-ATTATAGAAAGCGATGATGTTGTTCTGATACTCCAGCCAGTTAAGTCTCTCACTTAGCAA[C>G]TGGCAGAATTCGATCCACCGGCTGTTCAGTTGTTCTGAGGCTTGTTTGATGCTATCTGCA-3'
Protein context (NP_003997.2, residues 807-827): QLNSRWIEFC[Gln817His]LLSERLNWLE

ClinVar aggregate classification (germline): Uncertain significance (1 of 4 stars; one submission).

Conditions:
Dilated cardiomyopathy 3B (CMD3B). Also called: CMD3B: DMD-Related Dilated Cardiomyopathy; CARDIOMYOPATHY, DILATED, X-LINKED; DMD-Associated Dilated Cardiomyopathy. Identifiers: Orphanet 154, MedGen C3668940, MONDO:0010542, OMIM 302045.

Submission:

Centre for Mendelian Genomics, University Medical Centre Ljubljana
Classification: Uncertain significance for Dilated cardiomyopathy 3B. Last evaluated: 2019-07-08. Review status: criteria provided, single submitter. Criteria: ACMG Guidelines, 2015. Collection method: clinical testing. Allele origin: unknown. Affected: yes.
Comment: This variant was classified as: Uncertain significance. The available evidence on this variant's pathogenicity is insufficient or conflicting. The following ACMG criteria were applied in classifying this variant: PM2,BP1.